The following is an entry in ClinVar:

NM_002242.4(KCNJ13):c.605T>C (p.Val202Ala)

Genes: GIGYF2 (GRB10 interacting GYF protein 2; plus strand), KCNJ13 (potassium inwardly rectifying channel subfamily J member 13; minus strand). Cytogenetic location: 2q37.1.
Variant type: single nucleotide variant.
Coding change: c.605T>C on transcript NM_002242.4 (MANE Select); coding-DNA position 605, T replaced by C.
Protein change: p.Val202Ala; replaces valine 202 with alanine.
Molecular consequence: missense variant. On other transcripts: 3 prime UTR variant (1), intron variant (4).
Genome position (GRCh38, 1-based): chr2:232,768,669, A>G on the plus strand (T>C on the coding strand, the complement: KCNJ13 is on the minus strand). VCF-style: chr2-232768669-A-G. GRCh37 (hg19) VCF-style: chr2-233633379-A-G.
Other names: c.*84T>C (NM_001172416.1); c.365T>C, p.Val122Ala (NM_001172417.1); c.532+7233A>G (NM_001103146.3, NM_015575.4, NM_001103147.2 and 1 more transcripts); short protein forms V202A, V122A.
Identifiers: ClinVar variation 3635780 (VCV003635780.2).
Genomic context (GRCh38, chr2:232,768,669, plus strand): 5'-ACACTGGTCTGGTAGAGTTTGCCATTTTCTCTTTCCTGATAGAGTACAGCTGAGACCCGG[A>G]CACTGGTTAGAGGGCTAGGTCGGGTGTTGGCCACTTGGAAGATAAGATTAGGTTTGCCAT-3'
Protein context (NP_002233.2, residues 192-212): ANTRPSPLTS[Val202Ala]RVSAVLYQER

ClinVar aggregate classification (germline): Uncertain significance (1 of 4 stars; one submission).

Submission:

Labcorp Genetics (formerly Invitae), Labcorp
Classification: Uncertain significance. Last evaluated: 2024-02-20. Review status: criteria provided, single submitter. Criteria: Invitae Variant Classification Sherloc (09022015). Collection method: clinical testing. Allele origin: germline.
Comment: This sequence change replaces valine, which is neutral and non-polar, with alanine, which is neutral and non-polar, at codon 202 of the KCNJ13 protein (p.Val202Ala). This variant is not present in population databases (gnomAD no frequency). This variant has not been reported in the literature in individuals affected with KCNJ13-related conditions. Advanced modeling of protein sequence and biophysical properties (such as structural, functional, and spatial information, amino acid conservation, physicochemical variation, residue mobility, and thermodynamic stability) performed at Invitae indicates that this missense variant is not expected to disrupt KCNJ13 protein function with a negative predictive value of 80%. In summary, the available evidence is currently insufficient to determine the role of this variant in disease. Therefore, it has been classified as a Variant of Uncertain Significance.